The following is an entry in ClinVar:

ClinVar aggregate classification (germline): Uncertain significance (1 of 4 stars; one submission).

Submission:

Labcorp Genetics (formerly Invitae), Labcorp
Classification: Uncertain significance. Last evaluated: 2025-11-03. Review status: criteria provided, single submitter. Criteria: Invitae Variant Classification Sherloc (09022015). Collection method: clinical testing. Allele origin: germline.
Comment: This sequence change replaces threonine, which is neutral and polar, with proline, which is neutral and non-polar, at codon 537 of the RIPK1 protein (p.Thr537Pro). This variant is not present in population databases (gnomAD no frequency). This variant has not been reported in the literature in individuals affected with RIPK1-related conditions. An algorithm developed to predict the effect of missense changes on protein structure and function (PolyPhen-2) suggests that this variant is likely to be disruptive. In summary, the available evidence is currently insufficient to determine the role of this variant in disease. Therefore, it has been classified as a Variant of Uncertain Significance.

NM_001354930.2(RIPK1):c.1609A>C (p.Thr537Pro)

Gene: RIPK1 (receptor interacting serine/threonine kinase 1; plus strand). Cytogenetic location: 6p25.2.
Variant type: single nucleotide variant.
Coding change: c.1609A>C on transcript NM_001354930.2 (MANE Select); coding-DNA position 1609, A replaced by C.
Protein change: p.Thr537Pro; replaces threonine 537 with proline.
Molecular consequence: missense variant.
Genome position (GRCh38, 1-based): chr6:3,110,835, A>C. VCF-style: chr6-3110835-A-C. GRCh37 (hg19) VCF-style: chr6-3111069-A-C.
Other names: c.1120A>C, p.Thr374Pro (NM_001317061.3, NM_001354932.2, NM_001354933.2 and 1 more transcripts); c.1471A>C, p.Thr491Pro (NM_001354931.2); c.1609A>C, p.Thr537Pro (NM_003804.6); short protein forms T374P, T491P, T537P.
Identifiers: ClinVar variation 4764427 (VCV004764427.1).